The following is an entry in ClinVar:

NM_002528.7(NTHL1):c.245A>G (p.Gln82Arg)

Gene: NTHL1 (nth like DNA glycosylase 1; minus strand). Cytogenetic location: 16p13.3.
Variant type: single nucleotide variant.
Coding change: c.245A>G on transcript NM_002528.7 (MANE Select); coding-DNA position 245, A replaced by G.
Protein change: p.Gln82Arg; replaces glutamine 82 with arginine.
Molecular consequence: missense variant. On other transcripts: intron variant (1).
Genome position (GRCh38, 1-based): chr16:2,046,237, T>C on the plus strand (A>G on the coding strand, the complement: NTHL1 is on the minus strand). VCF-style: chr16-2046237-T-C. GRCh37 (hg19) VCF-style: chr16-2096238-T-C.
Other names: c.245A>G, p.Gln82Arg (NM_001318193.2); c.24+43A>G (NM_001318194.2); short protein forms Q82R.
Identifiers: ClinVar variation 2586100 (VCV002586100.2), dbSNP rs2150946211, ClinGen allele CA394297172.

ClinVar aggregate classification (germline): Uncertain significance (1 of 4 stars; one submission).

Conditions:
Hereditary cancer-predisposing syndrome. Also called: Hereditary neoplastic syndrome; Tumor predisposition; Hereditary Cancer Syndrome; Neoplastic Syndromes, Hereditary. Identifiers: Orphanet 140162, MedGen C0027672, MeSH D009386, MONDO:0015356.

Submission:

Ambry Genetics
Classification: Uncertain significance for Hereditary cancer-predisposing syndrome. Last evaluated: 2023-08-03. Review status: criteria provided, single submitter. Criteria: Ambry Variant Classification Scheme 2023. Collection method: clinical testing. Allele origin: germline.
Comment: The p.Q90R variant (also known as c.269A>G), located in coding exon 2 of the NTHL1 gene, results from an A to G substitution at nucleotide position 269. The glutamine at codon 90 is replaced by arginine, an amino acid with highly similar properties. This amino acid position is conserved. In addition, this alteration is predicted to be tolerated by in silico analysis. Since supporting evidence is limited at this time, the clinical significance of this alteration remains unclear.